The following is an entry in ClinVar:

NM_058216.3(RAD51C):c.61C>T (p.Pro21Ser)

Gene: RAD51C (RAD51 paralog C; plus strand). Cytogenetic location: 17q22.
Variant type: single nucleotide variant.
Coding change: c.61C>T on transcript NM_058216.3 (MANE Select); coding-DNA position 61, C replaced by T.
Protein change: p.Pro21Ser; replaces proline 21 with serine.
Molecular consequence: missense variant. On other transcripts: non-coding transcript variant (1).
Genome position (GRCh38, 1-based): chr17:58,692,704, C>T. VCF-style: chr17-58692704-C-T. GRCh37 (hg19) VCF-style: chr17-56770065-C-T.
Other names: c.61C>T, p.Pro21Ser (NM_002876.4); short protein forms P21S.
Identifiers: ClinVar variation 216806 (VCV000216806.13), dbSNP rs752608224, ClinGen allele CA337583.

ClinVar aggregate classification (germline): Uncertain significance. Review status: criteria provided, multiple submitters, no conflicts (2 of 4 stars). 3 submissions from 3 submitters: Uncertain significance (3). Last evaluated 2025-03-13.

Conditions:
Hereditary cancer-predisposing syndrome. Also called: Tumor predisposition; Hereditary Cancer Syndrome; Neoplastic Syndromes, Hereditary; Hereditary neoplastic syndrome. Identifiers: Orphanet 140162, MedGen C0027672, MeSH D009386, MONDO:0015356.
Fanconi anemia complementation group O. Also called: RAD51C-Related Fanconi Anemia. Identifiers: Orphanet 84, MedGen C3150653, MONDO:0013248, OMIM 613390.

Submissions (3):

Quest Diagnostics Nichols Institute San Juan Capistrano
Classification: Uncertain significance. Last evaluated: 2025-03-13. Review status: criteria provided, single submitter. Criteria: Quest Diagnostics criteria. Collection method: clinical testing. Allele origin: unknown.
Comment: The RAD51C c.61C>T (p.Pro21Ser) variant has been reported in the published literature to have no deleterious effect on RAD51C protein function (PMID: 37253112 (2023)). This variant has not been reported in large, multi-ethnic general populations (Genome Aggregation Database). Analysis of this variant using bioinformatics tools for the prediction of the effect of amino acid changes on protein structure and function yielded predictions that this variant is benign. Based on the available information, we are unable to determine the clinical significance of this variant.

Labcorp Genetics (formerly Invitae), Labcorp
Classification: Uncertain significance for Fanconi anemia complementation group O. Last evaluated: 2022-10-13. Review status: criteria provided, single submitter. Criteria: Invitae Variant Classification Sherloc (09022015). Collection method: clinical testing. Allele origin: germline.
Comment: In summary, the available evidence is currently insufficient to determine the role of this variant in disease. Therefore, it has been classified as a Variant of Uncertain Significance. Advanced modeling of protein sequence and biophysical properties (such as structural, functional, and spatial information, amino acid conservation, physicochemical variation, residue mobility, and thermodynamic stability) performed at Invitae indicates that this missense variant is not expected to disrupt RAD51C protein function. ClinVar contains an entry for this variant (Variation ID: 216806). This variant has not been reported in the literature in individuals affected with RAD51C-related conditions. This variant is not present in population databases (gnomAD no frequency). This sequence change replaces proline, which is neutral and non-polar, with serine, which is neutral and polar, at codon 21 of the RAD51C protein (p.Pro21Ser).

Color Diagnostics, LLC DBA Color Health
Classification: Uncertain significance for Hereditary cancer-predisposing syndrome. Last evaluated: 2019-03-27. Review status: criteria provided, single submitter. Criteria: ACMG Guidelines, 2015. Collection method: clinical testing. Allele origin: germline.

Literature cited by the submitters: PubMed 37253112 (cited by Quest Diagnostics Nichols Institute San Juan Capistrano).